The following is an entry in ClinVar:

ClinVar aggregate classification (germline): Uncertain significance (1 of 4 stars; one submission).

Conditions:
ADCY3-related disorder. Also called: ADCY3-related condition.

Allele frequency attached by ClinVar (database versions not stated): gnomAD 0.00002; gnomAD exomes 0.00003; TOPMed 0.00007; ExAC 0.00009.
gnomAD v4.1: 45 of 1,613,500 alleles (0.0028%); highest among the groups gnomAD compares: East Asian, 0.033%; no homozygotes.

Submission:

PreventionGenetics, part of Exact Sciences
Classification: Uncertain significance for ADCY3-related condition. Last evaluated: 2026-05-05. Review status: criteria provided, single submitter. Criteria: ACMG Guidelines, 2015. Collection method: clinical testing. Allele origin: germline.
Comment: The ADCY3 c.1691G>A variant is predicted to result in the amino acid substitution p.Arg564His. To our knowledge, this variant has not been reported in the literature. This variant is reported in 0.090% of alleles in individuals of East Asian descent in gnomAD. Although we suspect that this variant may be benign, at this time, the clinical significance of this variant is uncertain due to the absence of conclusive functional and genetic evidence.

NM_004036.5(ADCY3):c.1691G>A (p.Arg564His)

Gene: ADCY3 (adenylate cyclase 3; minus strand). Cytogenetic location: 2p23.3.
Variant type: single nucleotide variant.
Coding change: c.1691G>A on transcript NM_004036.5 (MANE Select); coding-DNA position 1691, G replaced by A.
Protein change: p.Arg564His; replaces arginine 564 with histidine.
Molecular consequence: missense variant.
Genome position (GRCh38, 1-based): chr2:24,834,908, C>T on the plus strand (G>A on the coding strand, the complement: ADCY3 is on the minus strand). VCF-style: chr2-24834908-C-T. GRCh37 (hg19) VCF-style: chr2-25057777-C-T.
Other names: c.1691G>A, p.Arg564His (NM_001320613.2, NM_001377129.1, NM_001377130.1 and 1 more transcripts); c.1757G>A, p.Arg586His (NM_001377128.1); c.968G>A, p.Arg323His (NM_001377131.1); short protein forms R323H, R564H, R586H.
Identifiers: ClinVar variation 2634234 (VCV002634234.2), dbSNP rs762961113, ClinGen allele CA1554033.